The following is an entry in ClinVar:

ClinVar aggregate classification (germline): Likely pathogenic (1 of 4 stars; one submission).

Conditions:
Sessile serrated polyposis cancer syndrome (SSPCS). Identifiers: Orphanet 157798, MedGen C4310714, MONDO:0014919, OMIM 617108.

Submission:

Myriad Genetics, Inc.
Classification: Likely pathogenic for Sessile serrated polyposis cancer syndrome. Last evaluated: 2026-01-12. Review status: criteria provided, single submitter. Criteria: Myriad Autosomal Dominant, Autosomal Recessive and X-Linked Classification Criteria (2023). Collection method: clinical testing. Allele origin: unknown.
Comment: This variant is considered likely pathogenic. This variant creates a frameshift predicted to result in premature protein truncation.

NM_017763.6(RNF43):c.1925del (p.Leu642fs)

Gene: RNF43 (ring finger protein 43; minus strand). Cytogenetic location: 17q22.
Variant type: Deletion.
Coding change: c.1925del on transcript NM_017763.6 (MANE Select); coding-DNA position 1925, one base deleted (T; older notation c.1925delT).
Protein change: p.Leu642fs; shifts the reading frame from leucine 642.
Molecular consequence: frameshift variant.
Genome position (GRCh38, 1-based): chr17:58,357,851, A deleted on the plus strand (T on the coding strand, the reverse complement: RNF43 is on the minus strand); the first of 2 consecutive A bases (chr17:58,357,851-58,357,852); deleting either gives the same sequence. VCF-style (leftmost placement, unchanged base first): chr17-58357850-CA-C. GRCh37 (hg19) VCF-style: chr17-56435211-CA-C.
Other names: c.1544del, p.Leu515fs (NM_001437987.1, NM_001305545.2); c.1925del, p.Leu642fs (NM_001438820.1, NM_001438821.1, NM_001438822.1 and 1 more transcripts); short protein forms L515fs, L642fs.
Identifiers: ClinVar variation 4856706 (VCV004856706.1).